The following is an entry in ClinVar:

NM_000540.3(RYR1):c.5011_5048del (p.Ala1671fs)

Gene: RYR1 (ryanodine receptor 1; plus strand). Cytogenetic location: 19q13.2.
Variant type: Deletion.
Coding change: c.5011_5048del on transcript NM_000540.3 (MANE Select); coding-DNA positions 5011 to 5048, 38 bases deleted.
Protein change: p.Ala1671fs; shifts the reading frame from alanine 1671.
Molecular consequence: frameshift variant.
Genome position (GRCh38, 1-based): chr19:38,485,666-38,485,703, 38 bases deleted; deleting any 38 consecutive bases within chr19:38,485,663-38,485,703 gives the same sequence; the c. name uses the placement nearest the transcript's 3' end. GRCh37 (hg19): chr19:38,976,306-38,976,343.
Other names: c.5011_5048del, p.Ala1671fs (NM_001042723.2); short protein forms A1671fs.
Identifiers: ClinVar variation 4796551 (VCV004796551.2).

ClinVar aggregate classification (germline): Likely pathogenic. Review status: criteria provided, multiple submitters, no conflicts (2 of 4 stars). 2 submissions from 2 submitters: Likely pathogenic (2). Last evaluated 2025-11-28.

Conditions:
Congenital multicore myopathy with external ophthalmoplegia (CMYO1B). Also called: Minicore myopathy with external ophthalmoplegia; MULTIMINICORE DISEASE WITH EXTERNAL OPHTHALMOPLEGIA; Congenital myopathy 1B, autosomal recessive; Minicore myopathy; MULTICORE MYOPATHY. Identifiers: Orphanet 598, Orphanet 98905, MedGen C1850674, MONDO:0009712, OMIM 255320, HP:0003789.
Malignant hyperthermia, susceptibility to, 1 (MHS1). Also called: Anesthesia related hyperthermia; Malignant hyperpyrexia; Fulminating hyperpyrexia; Pharmacogenic myopathy; Malignant hyperthermia suceptibility 1; RYR1-Related Malignant Hyperthermia Susceptibility. Identifiers: Orphanet 423, MedGen C2930980, MONDO:0007783, OMIM 145600.
Central core myopathy (CMYO1A). Also called: Central core disease; Myopathy, central fibrillar; CONGENITAL MYOPATHY 1A, AUTOSOMAL DOMINANT, WITH SUSCEPTIBILITY TO MALIGNANT HYPERTHERMIA. Identifiers: Orphanet 597, MedGen C5830701, MONDO:0007294, OMIM 117000.
King Denborough syndrome (KDS). Identifiers: MedGen C1840365, MONDO:0020485, OMIM 619542.

Submissions (2):

The Central Laboratory of Birth Defects Prevention and Control, The Affiliated Women and Children's Hospital of Ningbo University
Classification: Likely pathogenic for Congenital multicore myopathy with external ophthalmoplegia. Last evaluated: 2025-11-28. Review status: criteria provided, single submitter. Criteria: ACMG Guidelines, 2015. Collection method: clinical testing. Allele origin: maternal. Affected: yes.
Comment: Not observed at significant frequency in large population cohorts (gnomAD). The RYR1 c.5011_5048del is a frameshift variant and located in the 34th exon (a total of 106 exons) of NM_000540.3 transcript. Loss of function is known mechanisms of disease in RYR1 gene. For these reasons, this variant has been classified as Likely Pathogenic.

Juno Genomics, Hangzhou Juno Genomics, Inc
Classification: Likely pathogenic for Congenital multicore myopathy with external ophthalmoplegia; Central core myopathy; Malignant hyperthermia, susceptibility to, 1; King Denborough syndrome. Review status: criteria provided, single submitter. Criteria: ACMG Guidelines, 2015. Collection method: clinical testing. Allele origin: germline. Affected: yes.
Comment: Absent from controls (or at extremely low frequency if recessive) in Genome Aggregation Database, Exome Sequencing Project, 1000 Genomes Project, or Exome Aggregation Consortium.;Null variant in a gene where loss of function (LOF) is a known mechanism of disease.